The following is an entry in ClinVar:

ClinVar aggregate classification (germline): Uncertain significance. Review status: criteria provided, multiple submitters, no conflicts (2 of 4 stars). 2 submissions from 2 submitters: Uncertain significance (2). Last evaluated 2023-10-13.

Conditions:
Neuropathy, hereditary sensory and autonomic, type 2A (HSAN2A). Also called: HSAN IIA; ACROOSTEOLYSIS, GIACCAI TYPE; ACROOSTEOLYSIS, NEUROGENIC; WNK1-Related HSAN2 (HSAN2A); MORVAN DISEASE; NEUROPATHY, CONGENITAL SENSORY. Identifiers: Orphanet 970, MedGen C2752089, MONDO:0024309, OMIM 201300.
Pseudohypoaldosteronism type 2C (PHA2C). Also called: Pseudohypoaldosteronism Type IIC. Identifiers: Orphanet 757, Orphanet 88940, MedGen C1840391, MONDO:0013778, OMIM 614492.

Allele frequency attached by ClinVar (database versions not stated): gnomAD exomes below 0.00001.
gnomAD v4.1: 7 of 1,614,090 alleles (0.00043%); highest among the groups gnomAD compares: Admixed American, 0.01%; no homozygotes.

Submissions (2):

Labcorp Genetics (formerly Invitae), Labcorp
Classification: Uncertain significance for Neuropathy, hereditary sensory and autonomic, type 2A; Pseudohypoaldosteronism type 2C. Last evaluated: 2023-10-13. Review status: criteria provided, single submitter. Criteria: Invitae Variant Classification Sherloc (09022015). Collection method: clinical testing. Allele origin: germline.
Comment: This sequence change replaces glutamic acid, which is acidic and polar, with glutamine, which is neutral and polar, at codon 983 of the WNK1 protein (p.Glu983Gln). This variant is present in population databases (no rsID available, gnomAD 0.003%). This variant has not been reported in the literature in individuals affected with WNK1-related conditions. ClinVar contains an entry for this variant (Variation ID: 571997). An algorithm developed to predict the effect of missense changes on protein structure and function (PolyPhen-2) suggests that this variant is likely to be disruptive. In summary, the available evidence is currently insufficient to determine the role of this variant in disease. Therefore, it has been classified as a Variant of Uncertain Significance.

Fulgent Genetics
Classification: Uncertain significance for Neuropathy, hereditary sensory and autonomic, type 2A; Pseudohypoaldosteronism type 2C. Last evaluated: 2021-07-22. Review status: criteria provided, single submitter. Criteria: ACMG Guidelines, 2015. Collection method: clinical testing. Allele origin: unknown.

NM_018979.4(WNK1):c.2947G>C (p.Glu983Gln)

Gene: WNK1 (WNK lysine deficient protein kinase 1; plus strand). Cytogenetic location: 12p13.33.
Variant type: single nucleotide variant.
Coding change: c.2947G>C on transcript NM_018979.4 (MANE Select); coding-DNA position 2947, G replaced by C.
Protein change: p.Glu983Gln; replaces glutamic acid 983 with glutamine.
Molecular consequence: missense variant. On other transcripts: intron variant (2).
Genome position (GRCh38, 1-based): chr12:880,835, G>C. VCF-style: chr12-880835-G-C. GRCh37 (hg19) VCF-style: chr12-990001-G-C.
Other names: c.3727G>C, p.Glu1243Gln (NM_001184985.2); c.3868-857G>C (NM_213655.5); c.2371-857G>C (NM_014823.3); short protein forms E983Q, E1243Q.
Identifiers: ClinVar variation 571997 (VCV000571997.8), dbSNP rs1185591309, ClinGen allele CA383327035.
Genomic context (GRCh38, chr12:880,835, plus strand): 5'-TCTTCCAACGTGGCTTCTGTTTGCATCCATTCTACAGTCCTATCCCCTCCCATGCCGACA[G>C]AAGTACTGGCTACACCTGGGTACTTTCCCACAGTGGTGCAGCCTTATGTGGAATCAAATC-3'
Protein context (NP_061852.3, residues 973-993): STVLSPPMPT[Glu983Gln]VLATPGYFPT